The following is an entry in ClinVar:

ClinVar aggregate classification (germline): Uncertain significance. Review status: criteria provided, multiple submitters, no conflicts (2 of 4 stars). 3 submissions from 3 submitters: Uncertain significance (3). Last evaluated 2025-01-27.

Conditions:
Methylcobalamin deficiency type cblE (HMAE). Also called: HOMOCYSTINURIA-MEGALOBLASTIC ANEMIA, cblE COMPLEMENTATION TYPE; HOMOCYSTINURIA-MEGALOBLASTIC ANEMIA, cblE TYPE; VITAMIN B12-RESPONSIVE HOMOCYSTINURIA, cblE TYPE. Identifiers: Orphanet 2169, Orphanet 622, MedGen C1856057, MONDO:0009354, OMIM 236270.
Inborn genetic diseases. Identifiers: MedGen C0950123, MeSH D030342.

Allele frequency attached by ClinVar (database versions not stated): gnomAD 0.00001; TOPMed 0.00006.
gnomAD v4.1: 36 of 1,613,904 alleles (0.0022%); highest among the groups gnomAD compares: Admixed American, 0.06%; no homozygotes.

Submissions (3):

Ambry Genetics
Classification: Uncertain significance for Inborn genetic diseases. Last evaluated: 2025-01-27. Review status: criteria provided, single submitter. Criteria: Ambry Variant Classification Scheme 2023. Collection method: clinical testing. Allele origin: germline.

Labcorp Genetics (formerly Invitae), Labcorp
Classification: Uncertain significance for Methylcobalamin deficiency type cblE. Last evaluated: 2022-09-13. Review status: criteria provided, single submitter. Criteria: Invitae Variant Classification Sherloc (09022015). Collection method: clinical testing. Allele origin: germline.
Comment: This sequence change replaces aspartic acid, which is acidic and polar, with histidine, which is basic and polar, at codon 197 of the MTRR protein (p.Asp197His). This variant is present in population databases (rs748186027, gnomAD 0.08%). This variant has not been reported in the literature in individuals affected with MTRR-related conditions. ClinVar contains an entry for this variant (Variation ID: 1358300). Algorithms developed to predict the effect of missense changes on protein structure and function are either unavailable or do not agree on the potential impact of this missense change (SIFT: "Tolerated"; PolyPhen-2: "Possibly Damaging"; Align-GVGD: "Class C0"). In summary, the available evidence is currently insufficient to determine the role of this variant in disease. Therefore, it has been classified as a Variant of Uncertain Significance.

Revvity Omics, Revvity
Classification: Uncertain significance for Methylcobalamin deficiency type cblE. Last evaluated: 2021-04-15. Review status: criteria provided, single submitter. Criteria: ACMG Guidelines, 2015. Collection method: clinical testing. Allele origin: germline.

NM_002454.3(MTRR):c.589G>C (p.Asp197His)

Gene: MTRR (5-methyltetrahydrofolate-homocysteine methyltransferase reductase; plus strand). Cytogenetic location: 5p15.31.
Variant type: single nucleotide variant.
Coding change: c.589G>C on transcript NM_002454.3 (MANE Select); coding-DNA position 589, G replaced by C.
Protein change: p.Asp197His; replaces aspartic acid 197 with histidine.
Molecular consequence: missense variant. On other transcripts: non-coding transcript variant (14).
Genome position (GRCh38, 1-based): chr5:7,878,131, G>C. VCF-style: chr5-7878131-G-C. GRCh37 (hg19) VCF-style: chr5-7878244-G-C.
Other names: c.589G>C, p.Asp197His (NM_001364440.2, NM_001364441.2, NM_001364442.2 and 1 more transcripts); c.589G>C (NM_002454.2); short protein forms D197H.
Identifiers: ClinVar variation 1358300 (VCV001358300.7), dbSNP rs748186027, ClinGen allele CA3195642.